The following is an entry in ClinVar:

ClinVar aggregate classification (germline): Likely benign. Review status: criteria provided, single submitter (1 of 4 stars). 2 submissions from 2 submitters: Likely benign (1). 1 of the submissions does not count toward it. Last evaluated 2025-10-02.

Conditions:
Nemaline myopathy 2 (NEM2). Also called: Nemaline myopathy 2, autosomal recessive. Identifiers: MedGen C1850569, MONDO:0009725, OMIM 256030.
NEB-related disorder. Also called: NEB-related condition; NEB-Related Disorders.

Allele frequency attached by ClinVar (database versions not stated): gnomAD 0.00002 and 0.00003; gnomAD exomes 0.00002 and 0.00007; TOPMed 0.00003; ExAC 0.00004.
gnomAD v4.1: 31 of 1,611,772 alleles (0.0019%); highest among the groups gnomAD compares: Admixed American, 0.043%; no homozygotes.

Submissions (2):

Labcorp Genetics (formerly Invitae), Labcorp
Classification: Likely benign for Nemaline myopathy 2. Last evaluated: 2025-10-02. Review status: criteria provided, single submitter. Criteria: Invitae Variant Classification Sherloc (09022015). Collection method: clinical testing. Allele origin: germline.

PreventionGenetics, part of Exact Sciences
Classification: Likely benign for NEB-related condition. Last evaluated: 2020-03-04. Review status: no assertion criteria provided. Collection method: clinical testing. Allele origin: germline. Not counted in ClinVar's aggregate classification.
Comment: This variant is classified as likely benign based on ACMG/AMP sequence variant interpretation guidelines (Richards et al. 2015 PMID: 25741868, with internal and published modifications).

NM_001164508.2(NEB):c.7167A>G (p.Thr2389=)

Gene: NEB (nebulin; minus strand). Cytogenetic location: 2q23.3.
Variant type: single nucleotide variant.
Coding change: c.7167A>G on transcript NM_001164508.2 (MANE Select); coding-DNA position 7167, A replaced by G.
Protein change: p.Thr2389=; no amino-acid change (threonine 2389 retained).
Molecular consequence: synonymous variant.
Genome position (GRCh38, 1-based): chr2:151,650,634, T>C on the plus strand (A>G on the coding strand, the complement: NEB is on the minus strand). VCF-style: chr2-151650634-T-C. GRCh37 (hg19) VCF-style: chr2-152507148-T-C.
Other names: c.7167A>G, p.Thr2389= (NM_001164507.2, NM_001271208.2, NM_004543.5).
Identifiers: ClinVar variation 766828 (VCV000766828.12), dbSNP rs768429146, ClinGen allele CA1909921.
Genomic context (GRCh38, chr2:151,650,634, plus strand): 5'-CTCACTTTGCAGTTCATAAACTTTCTTAGCTTGCACAACATCGTTCTGATCAGGCAGACA[T>C]GTCCACTGATGCAGGTAGTTCTTGTAGTCCACGTCACTAACCAACTCCTGACACTTCTTG-3'
Protein context (NP_001157980.2, residues 2379-2399): VDYKNYLHQW[Thr2389=]CLPDQNDVVQ